The following is an entry in ClinVar:

ClinVar aggregate classification (germline): Likely benign. Review status: criteria provided, multiple submitters, no conflicts (2 of 4 stars). 3 submissions from 3 submitters: Likely benign (3). Last evaluated 2025-12-08.

Conditions:
Cardiovascular phenotype. Identifiers: MedGen CN230736.
Brugada syndrome 8 (BRGDA8). Identifiers: Orphanet 130, MedGen C2751083, MONDO:0013148, OMIM 613123.

Allele frequency attached by ClinVar (database versions not stated): gnomAD 0.00001; ExAC 0.00002; gnomAD exomes 0.00002; TOPMed 0.00002.
gnomAD v4.1: 38 of 1,614,042 alleles (0.0024%); highest among the groups gnomAD compares: South Asian, 0.0033%; no homozygotes.

Submissions (3):

Labcorp Genetics (formerly Invitae), Labcorp
Classification: Likely benign for Brugada syndrome 8. Last evaluated: 2025-12-08. Review status: criteria provided, single submitter. Criteria: Invitae Variant Classification Sherloc (09022015). Collection method: clinical testing. Allele origin: germline.

Ambry Genetics
Classification: Likely benign for Cardiovascular phenotype. Last evaluated: 2019-05-19. Review status: criteria provided, single submitter. Criteria: Ambry Variant Classification Scheme 2023. Collection method: clinical testing. Allele origin: germline.

GeneDx
Classification: Likely benign. Last evaluated: 2019-01-16. Review status: criteria provided, single submitter. Criteria: GeneDx Variant Classification Process June 2021. Collection method: clinical testing. Allele origin: germline. Affected: yes.
Comment: See Variant Classification Assertion Criteria.

NM_005477.3(HCN4):c.1095G>A (p.Ser365=)

Genes: HCN4 (hyperpolarization activated cyclic nucleotide gated potassium channel 4; minus strand), LOC126862173 (CDK7 strongly-dependent group 2 enhancer GRCh37_chr15:73635762-73636961; plus strand), LOC105370890 (uncharacterized LOC105370890; plus strand). Cytogenetic location: 15q24.1.
Variant type: single nucleotide variant.
Coding change: c.1095G>A on transcript NM_005477.3 (MANE Select); coding-DNA position 1095, G replaced by A.
Protein change: p.Ser365=; no amino-acid change (serine 365 retained).
Molecular consequence: synonymous variant.
Genome position (GRCh38, 1-based): chr15:73,343,499, C>T on the plus strand (G>A on the coding strand, the complement: HCN4 is on the minus strand). VCF-style: chr15-73343499-C-T. GRCh37 (hg19) VCF-style: chr15-73635840-C-T.
Identifiers: ClinVar variation 1112439 (VCV001112439.12), dbSNP rs778276793, ClinGen allele CA7649367.